The following is an entry in ClinVar:

ClinVar aggregate classification (germline): Likely benign (1 of 4 stars; one submission).

Allele frequency attached by ClinVar (database versions not stated): TOPMed 0.00119; gnomAD 0.00139; ESP Exome Variant Server 0.00161; 1000 Genomes Project 0.00180; 1000 Genomes Project 30x 0.00187; gnomAD exomes 0.00191; ExAC 0.00243.

Submission:

CeGaT Center for Human Genetics Tuebingen
Classification: Likely benign. Last evaluated: 2022-12-01. Review status: criteria provided, single submitter. Criteria: CeGaT Center For Human Genetics Tuebingen Variant Classification Criteria Version 2. Collection method: clinical testing. Allele origin: germline. Affected: yes. Observed: 1 variant allele.
Comment: SPNS3: BS2

NM_182538.5(SPNS3):c.328C>T (p.Arg110Cys)

Gene: SPNS3 (SPNS lysolipid transporter 3, sphingosine-1-phosphate (putative); plus strand). Cytogenetic location: 17p13.2.
Variant type: single nucleotide variant.
Coding change: c.328C>T on transcript NM_182538.5 (MANE Select); coding-DNA position 328, C replaced by T.
Protein change: p.Arg110Cys; replaces arginine 110 with cysteine.
Molecular consequence: missense variant. On other transcripts: intron variant (1).
Genome position (GRCh38, 1-based): chr17:4,445,094, C>T. VCF-style: chr17-4445094-C-T. GRCh37 (hg19) VCF-style: chr17-4348389-C-T.
Other names: c.22-954C>T (NM_001320449.2); short protein forms R110C.
Identifiers: ClinVar variation 2647254 (VCV002647254.24), dbSNP rs146383415, ClinGen allele CA8302168.